The following is an entry in ClinVar:

ClinVar aggregate classification (germline): Uncertain significance (1 of 4 stars; one submission).

Conditions:
Cerebral cavernous malformation (CCM). Also called: Cerebral cavernous hemangioma (type); CAVERNOUS ANGIOMA, FAMILIAL; CAVERNOUS ANGIOMATOUS MALFORMATIONS; CEREBRAL CAPILLARY MALFORMATIONS; Cavernous Hemangioma of Brain; Cerebral cavernous malformations. Identifiers: Orphanet 221061, MedGen C2919945, MONDO:0000820, OMIM 116860, HP:0033522.

Allele frequency attached by ClinVar (database versions not stated): gnomAD 0.00001; gnomAD exomes 0.00001 and 0.00004; TOPMed 0.00001; ExAC 0.00004.
gnomAD v4.1: 14 of 1,603,118 alleles (0.00087%); highest among the groups gnomAD compares: Admixed American, 0.02%; no homozygotes.

Submission:

Labcorp Genetics (formerly Invitae), Labcorp
Classification: Uncertain significance for Cerebral cavernous malformation. Last evaluated: 2023-06-27. Review status: criteria provided, single submitter. Criteria: Invitae Variant Classification Sherloc (09022015). Collection method: clinical testing. Allele origin: germline.
Comment: In summary, the available evidence is currently insufficient to determine the role of this variant in disease. Therefore, it has been classified as a Variant of Uncertain Significance. Advanced modeling of protein sequence and biophysical properties (such as structural, functional, and spatial information, amino acid conservation, physicochemical variation, residue mobility, and thermodynamic stability) performed at Invitae indicates that this missense variant is not expected to disrupt KRIT1 protein function. ClinVar contains an entry for this variant (Variation ID: 1468342). This variant has not been reported in the literature in individuals affected with KRIT1-related conditions. This variant is present in population databases (rs759149249, gnomAD 0.04%). This sequence change replaces valine, which is neutral and non-polar, with leucine, which is neutral and non-polar, at codon 719 of the KRIT1 protein (p.Val719Leu).

NM_194454.3(KRIT1):c.2155G>T (p.Val719Leu)

Gene: KRIT1 (KRIT1 ankyrin repeat containing; minus strand). Cytogenetic location: 7q21.2.
Variant type: single nucleotide variant.
Coding change: c.2155G>T on transcript NM_194454.3 (MANE Select); coding-DNA position 2155, G replaced by T.
Protein change: p.Val719Leu; replaces valine 719 with leucine.
Molecular consequence: missense variant.
Genome position (GRCh38, 1-based): chr7:92,200,792, C>A on the plus strand (G>T on the coding strand, the complement: KRIT1 is on the minus strand). VCF-style: chr7-92200792-C-A. GRCh37 (hg19) VCF-style: chr7-91830106-C-A.
Other names: c.2011G>T, p.Val671Leu (NM_001013406.2, NM_001350669.1, NM_001350670.1); c.1441G>T, p.Val481Leu (NM_001350671.1); c.2155G>T, p.Val719Leu (NM_001350672.1, NM_001350673.1, NM_001350674.1 and 26 more transcripts); short protein forms V481L, V671L, V719L.
Identifiers: ClinVar variation 1468342 (VCV001468342.4), dbSNP rs759149249, ClinGen allele CA4338931.
Genomic context (GRCh38, chr7:92,200,792, plus strand): 5'-TCTTTCATGAATTTCTTTCAGTGGGCATTAACTGTCCATTTAGCTTCATTAACAGTTTTA[C>A]CACGAGACCAGCCTACAAAGTAAAACATGTCAATAATAAATATAAAACATGTAAGAATCT-3'
Protein context (NP_919436.1, residues 709-729): IVHTKQAGLV[Val719Leu]KLLMKLNGQL